The following is an entry in ClinVar:

ClinVar aggregate classification (germline): Uncertain significance (1 of 4 stars; one submission).

Submission:

Labcorp Genetics (formerly Invitae), Labcorp
Classification: Uncertain significance. Last evaluated: 2023-11-20. Review status: criteria provided, single submitter. Criteria: Invitae Variant Classification Sherloc (09022015). Collection method: clinical testing. Allele origin: germline.
Comment: This sequence change replaces threonine, which is neutral and polar, with arginine, which is basic and polar, at codon 308 of the MTOR protein (p.Thr308Arg). This variant is not present in population databases (gnomAD no frequency). This variant has not been reported in the literature in individuals affected with MTOR-related conditions. Advanced modeling of protein sequence and biophysical properties (such as structural, functional, and spatial information, amino acid conservation, physicochemical variation, residue mobility, and thermodynamic stability) performed at Invitae indicates that this missense variant is not expected to disrupt MTOR protein function with a negative predictive value of 95%. In summary, the available evidence is currently insufficient to determine the role of this variant in disease. Therefore, it has been classified as a Variant of Uncertain Significance.

NM_004958.4(MTOR):c.923C>G (p.Thr308Arg)

Gene: MTOR (mechanistic target of rapamycin kinase; minus strand). Cytogenetic location: 1p36.22.
Variant type: single nucleotide variant.
Coding change: c.923C>G on transcript NM_004958.4 (MANE Select); coding-DNA position 923, C replaced by G.
Protein change: p.Thr308Arg; replaces threonine 308 with arginine.
Molecular consequence: missense variant. On other transcripts: 5 prime UTR variant (1).
Genome position (GRCh38, 1-based): chr1:11,248,012, G>C on the plus strand (C>G on the coding strand, the complement: MTOR is on the minus strand). VCF-style: chr1-11248012-G-C. GRCh37 (hg19) VCF-style: chr1-11308069-G-C.
Other names: c.923C>G, p.Thr308Arg (NM_001386500.1); c.-217C>G (NM_001386501.1); short protein forms T308R.
Identifiers: ClinVar variation 2959516 (VCV002959516.3), dbSNP rs1424951706, ClinGen allele CA338400387.